The following is an entry in ClinVar:

ClinVar aggregate classification (germline): Uncertain significance (1 of 4 stars; one submission).

Conditions:
BBS12-related disorder. Also called: BBS12-related condition.

Submission:

PreventionGenetics, part of Exact Sciences
Classification: Uncertain significance for BBS12-related condition. Last evaluated: 2026-06-15. Review status: criteria provided, single submitter. Criteria: ACMG Guidelines, 2015. Collection method: clinical testing. Allele origin: germline.
Comment: The BBS12 c.733G>T variant is predicted to result in the amino acid substitution p.Gly245Trp. To our knowledge, this variant has not been reported in the literature or in a large population database (gnomAD), indicating this variant is rare. At this time, the clinical significance of this variant is uncertain due to the absence of conclusive functional and genetic evidence.

NM_152618.3(BBS12):c.733G>T (p.Gly245Trp)

Gene: BBS12 (Bardet-Biedl syndrome 12; plus strand). Cytogenetic location: 4q27.
Variant type: single nucleotide variant.
Coding change: c.733G>T on transcript NM_152618.3 (MANE Select); coding-DNA position 733, G replaced by T.
Protein change: p.Gly245Trp; replaces glycine 245 with tryptophan.
Molecular consequence: missense variant.
Genome position (GRCh38, 1-based): chr4:122,742,625, G>T. VCF-style: chr4-122742625-G-T. GRCh37 (hg19) VCF-style: chr4-123663780-G-T.
Other names: c.733G>T, p.Gly245Trp (NM_001178007.2); short protein forms G245W.
Identifiers: ClinVar variation 4994740 (VCV004994740.1).